The following is an entry in ClinVar:

NM_024757.5(EHMT1):c.2897C>T (p.Thr966Ile)

Gene: EHMT1 (euchromatic histone lysine methyltransferase 1; plus strand). Cytogenetic location: 9q34.3.
Variant type: single nucleotide variant.
Coding change: c.2897C>T on transcript NM_024757.5 (MANE Select); coding-DNA position 2897, C replaced by T.
Protein change: p.Thr966Ile; replaces threonine 966 with isoleucine.
Molecular consequence: missense variant.
Genome position (GRCh38, 1-based): chr9:137,813,035, C>T. VCF-style: chr9-137813035-C-T. GRCh37 (hg19) VCF-style: chr9-140707487-C-T.
Other names: c.2876C>T, p.Thr959Ile (NM_001354263.2); short protein forms T959I, T966I.
Identifiers: ClinVar variation 4742074 (VCV004742074.1).
Genomic context (GRCh38, chr9:137,813,035, plus strand): 5'-ATGTTTTGTGGCCTTACATTTTCCCTTTTAGCCTCTTTCTTTCTCGGGATTCAGATGTCA[C>T]CTTAAAGAACAAGGAAGGAGAGACGCCCCTGCAGTGTGCGAGCCTCAACTCTCAGGTGTG-3'
Protein context (NP_079033.4, residues 956-976): VLFLSRDSDV[Thr966Ile]LKNKEGETPL

ClinVar aggregate classification (germline): Uncertain significance (1 of 4 stars; one submission).

Conditions:
Kleefstra syndrome 1 (KLEFS1). Identifiers: Orphanet 261494, MedGen C0795833, MONDO:0027407, OMIM 610253.

Submission:

Labcorp Genetics (formerly Invitae), Labcorp
Classification: Uncertain significance for Kleefstra syndrome 1. Last evaluated: 2025-11-03. Review status: criteria provided, single submitter. Criteria: Invitae Variant Classification Sherloc (09022015). Collection method: clinical testing. Allele origin: germline.
Comment: This sequence change replaces threonine, which is neutral and polar, with isoleucine, which is neutral and non-polar, at codon 966 of the EHMT1 protein (p.Thr966Ile). This variant is not present in population databases (gnomAD no frequency). This variant has not been reported in the literature in individuals affected with EHMT1-related conditions. Invitae Evidence Modeling of protein sequence and biophysical properties (such as structural, functional, and spatial information, amino acid conservation, physicochemical variation, residue mobility, and thermodynamic stability) indicates that this missense variant is not expected to disrupt EHMT1 protein function with a negative predictive value of 80%. In summary, the available evidence is currently insufficient to determine the role of this variant in disease. Therefore, it has been classified as a Variant of Uncertain Significance.